The following is an entry in ClinVar:

NM_031935.3(HMCN1):c.16499A>T (p.Asp5500Val)

Genes: HMCN1 (hemicentin 1; plus strand), LOC126805953 (P300/CBP strongly-dependent group 1 enhancer GRCh37_chr1:186156636-186157835; plus strand). Cytogenetic location: 1q31.1.
Variant type: single nucleotide variant.
Coding change: c.16499A>T on transcript NM_031935.3 (MANE Select); coding-DNA position 16499, A replaced by T.
Protein change: p.Asp5500Val; replaces aspartic acid 5500 with valine.
Molecular consequence: missense variant.
Genome position (GRCh38, 1-based): chr1:186,187,967, A>T. VCF-style: chr1-186187967-A-T. GRCh37 (hg19) VCF-style: chr1-186157099-A-T.
Other names: short protein forms D5500V.
Identifiers: ClinVar variation 1394087 (VCV001394087.6), dbSNP rs2102683447, ClinGen allele CA343904353.

ClinVar aggregate classification (germline): Uncertain significance (1 of 4 stars; one submission).

Allele frequency attached by ClinVar (database versions not stated): gnomAD exomes below 0.00001.
gnomAD v4.1: 4 of 1,613,838 alleles (0.00025%); highest among the groups gnomAD compares: Admixed American, 0.005%; no homozygotes.

Submission:

Labcorp Genetics (formerly Invitae), Labcorp
Classification: Uncertain significance. Last evaluated: 2024-11-05. Review status: criteria provided, single submitter. Criteria: Invitae Variant Classification Sherloc (09022015). Collection method: clinical testing. Allele origin: germline.
Comment: This sequence change replaces aspartic acid, which is acidic and polar, with valine, which is neutral and non-polar, at codon 5500 of the HMCN1 protein (p.Asp5500Val). This variant is not present in population databases (gnomAD no frequency). This variant has not been reported in the literature in individuals affected with HMCN1-related conditions. ClinVar contains an entry for this variant (Variation ID: 1394087). An algorithm developed to predict the effect of missense changes on protein structure and function (PolyPhen-2) suggests that this variant is likely to be tolerated. In summary, the available evidence is currently insufficient to determine the role of this variant in disease. Therefore, it has been classified as a Variant of Uncertain Significance.